The following is an entry in ClinVar:

ClinVar aggregate classification (germline): Uncertain significance (1 of 4 stars; one submission).

Conditions:
Baller-Gerold syndrome (BGS). Also called: CRANIOSYNOSTOSIS WITH RADIAL DEFECTS. Identifiers: Orphanet 1225, MedGen C0265308, MONDO:0009039, OMIM 218600.

Submission:

Labcorp Genetics (formerly Invitae), Labcorp
Classification: Uncertain significance for Baller-Gerold syndrome. Last evaluated: 2024-08-08. Review status: criteria provided, single submitter. Criteria: Invitae Variant Classification Sherloc (09022015). Collection method: clinical testing. Allele origin: germline.
Comment: This sequence change replaces aspartic acid, which is acidic and polar, with glycine, which is neutral and non-polar, at codon 187 of the RECQL4 protein (p.Asp187Gly). This variant is not present in population databases (gnomAD no frequency). This variant has not been reported in the literature in individuals affected with RECQL4-related conditions. ClinVar contains an entry for this variant (Variation ID: 852935). Advanced modeling of protein sequence and biophysical properties (such as structural, functional, and spatial information, amino acid conservation, physicochemical variation, residue mobility, and thermodynamic stability) performed at Invitae indicates that this missense variant is expected to disrupt RECQL4 protein function with a positive predictive value of 80%. In summary, the available evidence is currently insufficient to determine the role of this variant in disease. Therefore, it has been classified as a Variant of Uncertain Significance.

NM_004260.4(RECQL4):c.560A>G (p.Asp187Gly)

Gene: RECQL4 (RecQ like helicase 4; minus strand). Cytogenetic location: 8q24.3.
Variant type: single nucleotide variant.
Coding change: c.560A>G on transcript NM_004260.4 (MANE Select); coding-DNA position 560, A replaced by G.
Protein change: p.Asp187Gly; replaces aspartic acid 187 with glycine.
Molecular consequence: missense variant.
Genome position (GRCh38, 1-based): chr8:144,516,559, T>C on the plus strand (A>G on the coding strand, the complement: RECQL4 is on the minus strand). VCF-style: chr8-144516559-T-C. GRCh37 (hg19) VCF-style: chr8-145741943-T-C.
Other names: short protein forms D187G.
Identifiers: ClinVar variation 852935 (VCV000852935.5), dbSNP rs1815046572, ClinGen allele CA372691032.